The following is an entry in ClinVar:

ClinVar aggregate classification (germline): Uncertain significance (1 of 4 stars; one submission).

Conditions:
Neurodevelopmental disorder with microcephaly, epilepsy, and brain atrophy. Identifiers: MedGen C4693390, MONDO:0060640, OMIM 617862.

gnomAD v4.1: 6 of 1,612,136 alleles (0.00037%); highest among the groups gnomAD compares: South Asian, 0.0066%; no homozygotes.

Submission:

Neuberg Centre For Genomic Medicine, NCGM
Classification: Uncertain significance for Neurodevelopmental disorder with microcephaly, epilepsy, and brain atrophy. Review status: criteria provided, single submitter. Criteria: ACMG Guidelines, 2015. Collection method: clinical testing. Allele origin: germline. Inheritance: Autosomal dominant inheritance. Affected: yes.
Comment: The observed stop gained c.5081C>Gp.Ser1694Ter variant in CHD1 gene has not been reported previously as a pathogenic variant nor as a benign variant, to our knowledge. This variant is present with an allele frequency of 0.001% in gnomAD Exomes database. This variant has not been submitted to the ClinVar database. Computational evidence MutationTaster - Disease Causing predict damaging effect on protein structure and function for this variant. The nucleotide change c.5081C>G in CHD1 is predicted as conserved by GERP++ and PhyloP across 100 vertebrates. Loss of function variants have been previously reported to be disease causing. However since this variant is present in the last exon, functional studies will be required to prove pathogenicity of the variant. For these reasons, this variant has been classified as Uncertain Significance VUS.

NM_001270.4(CHD1):c.5081C>G (p.Ser1694Ter)

Gene: CHD1 (chromodomain helicase DNA binding protein 1; minus strand). Cytogenetic location: 5q15.
Variant type: single nucleotide variant.
Coding change: c.5081C>G on transcript NM_001270.4 (MANE Select); coding-DNA position 5081, C replaced by G.
Protein change: p.Ser1694Ter; replaces serine 1694 with a stop codon.
Molecular consequence: nonsense. On other transcripts: non-coding transcript variant (2).
Genome position (GRCh38, 1-based): chr5:98,856,432, G>C on the plus strand (C>G on the coding strand, the complement: CHD1 is on the minus strand). VCF-style: chr5-98856432-G-C. GRCh37 (hg19) VCF-style: chr5-98192136-G-C.
Other names: c.5345C>G, p.Ser1782Ter (NM_001364113.3); c.5081C>G, p.Ser1694Ter (NM_001376194.2); short protein forms S1694*, S1782*.
Identifiers: ClinVar variation 3391297 (VCV003391297.1).